The following is an entry in ClinVar:

NM_024596.5(MCPH1):c.216G>A (p.Ser72=)

Gene: MCPH1 (microcephalin 1; plus strand). Cytogenetic location: 8p23.1.
Variant type: single nucleotide variant.
Coding change: c.216G>A on transcript NM_024596.5 (MANE Select); coding-DNA position 216, G replaced by A.
Protein change: p.Ser72=; no amino-acid change (serine 72 retained).
Molecular consequence: synonymous variant. On other transcripts: non-coding transcript variant (1).
Genome position (GRCh38, 1-based): chr8:6,414,866, G>A. VCF-style: chr8-6414866-G-A. GRCh37 (hg19) VCF-style: chr8-6272387-G-A.
Other names: c.216G>A, p.Ser72= (NM_001172574.2, NM_001172575.2, NM_001322042.2 and 2 more transcripts); c.210G>A, p.Ser70= (NM_001322043.2); c.114G>A, p.Ser38= (NM_001322045.2).
Identifiers: ClinVar variation 597504 (VCV000597504.28), dbSNP rs775942126, ClinGen allele CA459166001.

ClinVar aggregate classification (germline): Conflicting classifications of pathogenicity. Review status: criteria provided, conflicting classifications (1 of 4 stars). 3 submissions from 3 submitters: Uncertain significance (1); Likely benign (2). Last evaluated 2024-04-01.

gnomAD v4.1: 4 of 1,613,394 alleles (0.00025%); highest among the groups gnomAD compares: African/African-American, 0.004%; no homozygotes.

Submissions (3):

CeGaT Center for Human Genetics Tuebingen
Classification: Likely benign. Last evaluated: 2024-04-01. Review status: criteria provided, single submitter. Criteria: CeGaT Center For Human Genetics Tuebingen Variant Classification Criteria Version 2. Collection method: clinical testing. Allele origin: germline. Affected: yes. Observed: 1 variant allele.
Comment: MCPH1: BP4, BP7

Labcorp Genetics (formerly Invitae), Labcorp
Classification: Likely benign. Last evaluated: 2023-12-26. Review status: criteria provided, single submitter. Criteria: Invitae Variant Classification Sherloc (09022015). Collection method: clinical testing. Allele origin: germline.

Eurofins Ntd Llc (ga)
Classification: Uncertain significance. Last evaluated: 2018-06-14. Review status: criteria provided, single submitter. Criteria: EGL ClinVar v180209 classification definitions. Collection method: clinical testing. Allele origin: germline. Observed: 1 variant allele, 1 heterozygote.